The following is an entry in ClinVar:

ClinVar aggregate classification (germline): Pathogenic/Likely pathogenic. Review status: criteria provided, multiple submitters, no conflicts (2 of 4 stars). 5 submissions from 4 submitters: Pathogenic (1); Likely pathogenic (4). Last evaluated 2023-11-04.

Conditions:
Retinitis pigmentosa 39 (RP39). Identifiers: Orphanet 791, MedGen C3151138, MONDO:0013436, OMIM 613809.
Usher syndrome type 2A. Also called: RETINAL DISEASE IN USHER SYNDROME TYPE IIA, MODIFIER OF; USHER SYNDROME, TYPE IIA. Identifiers: Orphanet 231178, Orphanet 886, MedGen C1848634, MONDO:0010169, OMIM 276901.

Allele frequency attached by ClinVar (database versions not stated): gnomAD exomes below 0.00001.

Submissions (5):

Genome-Nilou Lab
Classification: Likely pathogenic for Retinitis pigmentosa 39. Last evaluated: 2023-11-04. Review status: criteria provided, single submitter. Criteria: ACMG Guidelines, 2015. Collection method: clinical testing. Allele origin: germline. Affected: no.

Genome-Nilou Lab
Classification: Likely pathogenic for Usher syndrome type 2A. Last evaluated: 2023-11-04. Review status: criteria provided, single submitter. Criteria: ACMG Guidelines, 2015. Collection method: clinical testing. Allele origin: germline. Affected: no.

Baylor Genetics
Classification: Likely pathogenic for Retinitis pigmentosa 39. Last evaluated: 2022-12-02. Review status: criteria provided, single submitter. Criteria: ACMG Guidelines, 2015. Collection method: clinical testing. Allele origin: unknown.

Fulgent Genetics
Classification: Likely pathogenic for Usher syndrome type 2A; Retinitis pigmentosa 39. Last evaluated: 2021-10-29. Review status: criteria provided, single submitter. Criteria: ACMG Guidelines, 2015. Collection method: clinical testing. Allele origin: unknown.

Labcorp Genetics (formerly Invitae), Labcorp
Classification: Pathogenic. Last evaluated: 2019-07-17. Review status: criteria provided, single submitter. Criteria: Invitae Variant Classification Sherloc (09022015). Collection method: clinical testing. Allele origin: germline.
Comment: This sequence change creates a premature translational stop signal (p.Leu5124Argfs*11) in the USH2A gene. It is expected to result in an absent or disrupted protein product. This variant is not present in population databases (ExAC no frequency). This variant has not been reported in the literature in individuals with USH2A-related conditions. Loss-of-function variants in USH2A are known to be pathogenic (PMID: 10729113, 10909849, 20507924, 25649381). For these reasons, this variant has been classified as Pathogenic.

Literature cited by the submitters: PubMed 10729113 (cited by Labcorp Genetics (formerly Invitae), Labcorp); PubMed 10909849 (cited by Labcorp Genetics (formerly Invitae), Labcorp); PubMed 20507924 (cited by Labcorp Genetics (formerly Invitae), Labcorp); PubMed 25649381 (cited by Labcorp Genetics (formerly Invitae), Labcorp).

NM_206933.4(USH2A):c.15371del (p.Leu5124fs)

Gene: USH2A (usherin; minus strand). Cytogenetic location: 1q41.
Variant type: Deletion.
Coding change: c.15371del on transcript NM_206933.4 (MANE Select); coding-DNA position 15371, one base deleted (T; older notation c.15371delT).
Protein change: p.Leu5124fs; shifts the reading frame from leucine 5124.
Molecular consequence: frameshift variant.
Genome position (GRCh38, 1-based): chr1:215,628,962, A deleted on the plus strand (T on the coding strand, the reverse complement: USH2A is on the minus strand). VCF-style (leftmost placement, unchanged base first): chr1-215628961-CA-C. GRCh37 (hg19) VCF-style: chr1-215802303-CA-C.
Other names: short protein forms L5124fs.
Identifiers: ClinVar variation 951601 (VCV000951601.10), dbSNP rs1656163649, ClinGen allele CA1139656540.